The following is an entry in ClinVar:

ClinVar aggregate classification (germline): Uncertain significance. Review status: criteria provided, multiple submitters, no conflicts (2 of 4 stars). 4 submissions from 4 submitters: Uncertain significance (2). 2 of the submissions do not count toward it. Last evaluated 2025-02-06.

Conditions:
Cardiovascular phenotype. Identifiers: MedGen CN230736.

gnomAD v4.1: 6 of 1,606,488 alleles (0.00037%); highest among the groups gnomAD compares: Non-Finnish European, 0.00043%; no homozygotes.

Submissions (4):

Ambry Genetics
Classification: Uncertain significance for Cardiovascular phenotype. Last evaluated: 2025-02-06. Review status: criteria provided, single submitter. Criteria: Ambry Variant Classification Scheme 2023. Collection method: clinical testing. Allele origin: germline.
Comment: The p.D659E variant (also known as c.1977T>A), located in coding exon 12 of the SOS1 gene, results from a T to A substitution at nucleotide position 1977. The aspartic acid at codon 659 is replaced by glutamic acid, an amino acid with highly similar properties. This amino acid position is conserved. In addition, this alteration is predicted to be tolerated by in silico analysis. Based on the available evidence, the clinical significance of this variant remains unclear.

GeneDx
Classification: Uncertain significance. Last evaluated: 2017-08-24. Review status: criteria provided, single submitter. Criteria: GeneDx Variant Classification (06012015). Collection method: clinical testing. Allele origin: germline. Affected: yes.
Comment: The D659E variant in the SOS1 gene has not been reported previously as a pathogenic variant, nor as a benign variant, to our knowledge. The D659E variant is not observed in large population cohorts (Lek et al., 2016; 1000 Genomes Consortium et al., 2015; Exome Variant Server). The D659E variant is a conservative amino acid substitution, which occurs at a position within the N-terminal Ras-GEF domain that is conserved across species. In silico analysis is inconsistent in its predictions as to whether or not the variant is damaging to the protein structure/function. We interpret D659E as a variant of uncertain significance.

Clinical Genetics DNA and cytogenetics Diagnostics Lab, Erasmus MC, Erasmus Medical Center
Classification: Likely benign. Review status: no assertion criteria provided. Collection method: clinical testing. Allele origin: germline. Affected: yes. Study: VKGL Data-share Consensus. Not counted in ClinVar's aggregate classification.

Joint Genome Diagnostic Labs from Nijmegen and Maastricht, Radboudumc and MUMC+
Classification: Likely benign. Review status: no assertion criteria provided. Collection method: clinical testing. Allele origin: germline. Affected: yes. Study: VKGL Data-share Consensus. Not counted in ClinVar's aggregate classification.

NM_005633.4(SOS1):c.1977T>A (p.Asp659Glu)

Gene: SOS1 (SOS Ras/Rac guanine nucleotide exchange factor 1; minus strand). Cytogenetic location: 2p22.1.
Variant type: single nucleotide variant.
Coding change: c.1977T>A on transcript NM_005633.4 (MANE Select); coding-DNA position 1977, T replaced by A.
Protein change: p.Asp659Glu; replaces aspartic acid 659 with glutamic acid.
Molecular consequence: missense variant.
Genome position (GRCh38, 1-based): chr2:39,013,953, A>T on the plus strand (T>A on the coding strand, the complement: SOS1 is on the minus strand). VCF-style: chr2-39013953-A-T. GRCh37 (hg19) VCF-style: chr2-39241094-A-T.
Other names: c.1956T>A, p.Asp652Glu (NM_001382394.1); c.1977T>A, p.Asp659Glu (NM_001382395.1); short protein forms D659E, D652E.
Identifiers: ClinVar variation 451577 (VCV000451577.6), dbSNP rs1362181978, ClinGen allele CA346364939.
Genomic context (GRCh38, chr2:39,013,953, plus strand): 5'-TTTTCTAAATCTTTTCAGTTCTGCACTCAAGGGTTGATCTCCATTCTCTATAGCTATGCG[A>T]TCAGCTTCTGTTGGCTCAGGCTCTGGAATTTCAAACCTAACATAAAATAGAACAAATTAA-3'
Protein context (NP_005624.2, residues 649-669): EIPEPEPTEA[Asp659Glu]RIAIENGDQP